The following is an entry in ClinVar:

ClinVar aggregate classification (germline): Uncertain significance (1 of 4 stars; one submission).

Submission:

GeneDx
Classification: Uncertain significance. Last evaluated: 2026-03-04. Review status: criteria provided, single submitter. Criteria: GeneDx Variant Classification Process June 2021. Collection method: clinical testing. Allele origin: germline.
Comment: Not observed at significant frequency in large population cohorts (gnomAD); In silico analysis supports that this missense variant has a deleterious effect on protein structure/function; Has not been previously published as pathogenic or benign to our knowledge

NM_004958.4(MTOR):c.6590G>A (p.Arg2197His)

Gene: MTOR (mechanistic target of rapamycin kinase; minus strand). Cytogenetic location: 1p36.22.
Variant type: single nucleotide variant.
Coding change: c.6590G>A on transcript NM_004958.4 (MANE Select); coding-DNA position 6590, G replaced by A.
Protein change: p.Arg2197His; replaces arginine 2197 with histidine.
Molecular consequence: missense variant.
Genome position (GRCh38, 1-based): chr1:11,124,570, C>T on the plus strand (G>A on the coding strand, the complement: MTOR is on the minus strand). VCF-style: chr1-11124570-C-T. GRCh37 (hg19) VCF-style: chr1-11184627-C-T.
Other names: c.6590G>A, p.Arg2197His (NM_001386500.1); c.5342G>A, p.Arg1781His (NM_001386501.1); short protein forms R1781H, R2197H.
Identifiers: ClinVar variation 5008535 (VCV005008535.1).